The following is an entry in ClinVar:

ClinVar aggregate classification (germline): Uncertain significance (1 of 4 stars; one submission).

Conditions:
Primary familial hypertrophic cardiomyopathy (HCM). Identifiers: Orphanet 99739, MedGen C0949658, MeSH D024741, MONDO:0024573. Inheritance: Various modes of inheritance.
Dilated cardiomyopathy 1AA (CMD1AA). Also called: CARDIOMYOPATHY, DILATED, 1AA, WITH OR WITHOUT LEFT VENTRICULAR NONCOMPACTION; CARDIOMYOPATHY, FAMILIAL HYPERTROPHIC, 23, WITH OR WITHOUT LEFT VENTRICULAR NONCOMPACTION; Cardiomyopathy, dilated, 1AA, with or without LVNC. Identifiers: Orphanet 154, MedGen C2677338, MONDO:0012808, OMIM 612158.

Submission:

Labcorp Genetics (formerly Invitae), Labcorp
Classification: Uncertain significance for Primary familial hypertrophic cardiomyopathy; Dilated cardiomyopathy 1AA. Last evaluated: 2023-10-28. Review status: criteria provided, single submitter. Criteria: Invitae Variant Classification Sherloc (09022015). Collection method: clinical testing. Allele origin: germline.
Comment: This sequence change replaces asparagine, which is neutral and polar, with lysine, which is basic and polar, at codon 267 of the ACTN2 protein (p.Asn267Lys). This variant is not present in population databases (gnomAD no frequency). This variant has not been reported in the literature in individuals affected with ACTN2-related conditions. Advanced modeling of protein sequence and biophysical properties (such as structural, functional, and spatial information, amino acid conservation, physicochemical variation, residue mobility, and thermodynamic stability) performed at Invitae indicates that this missense variant is not expected to disrupt ACTN2 protein function with a negative predictive value of 95%. In summary, the available evidence is currently insufficient to determine the role of this variant in disease. Therefore, it has been classified as a Variant of Uncertain Significance.

NM_001103.4(ACTN2):c.801C>G (p.Asn267Lys)

Gene: ACTN2 (actinin alpha 2; plus strand). Cytogenetic location: 1q43.
Variant type: single nucleotide variant.
Coding change: c.801C>G on transcript NM_001103.4 (MANE Select); coding-DNA position 801, C replaced by G.
Protein change: p.Asn267Lys; replaces asparagine 267 with lysine.
Molecular consequence: missense variant. On other transcripts: non-coding transcript variant (1).
Genome position (GRCh38, 1-based): chr1:236,737,139, C>G. VCF-style: chr1-236737139-C-G. GRCh37 (hg19) VCF-style: chr1-236900439-C-G.
Other names: c.801C>G, p.Asn267Lys (NM_001278343.2); c.177C>G, p.Asn59Lys (NM_001278344.2); c.51C>G, p.Asn17Lys (NM_001412150.1); short protein forms N59K, N17K, N267K.
Identifiers: ClinVar variation 2934168 (VCV002934168.3), dbSNP rs2527591884, ClinGen allele CA345378812.